The following is an entry in ClinVar:

NM_001369.3(DNAH5):c.13413G>A (p.Trp4471Ter)

Gene: DNAH5 (dynein axonemal heavy chain 5; minus strand). Cytogenetic location: 5p15.2.
Variant type: single nucleotide variant.
Coding change: c.13413G>A on transcript NM_001369.3 (MANE Select); coding-DNA position 13413, G replaced by A.
Protein change: p.Trp4471Ter; replaces tryptophan 4471 with a stop codon.
Molecular consequence: nonsense.
Genome position (GRCh38, 1-based): chr5:13,701,362, C>T on the plus strand (G>A on the coding strand, the complement: DNAH5 is on the minus strand). VCF-style: chr5-13701362-C-T. GRCh37 (hg19) VCF-style: chr5-13701471-C-T.
Other names: short protein forms W4471*.
Identifiers: ClinVar variation 915438 (VCV000915438.5), dbSNP rs1742093744, ClinGen allele CA359192900.

ClinVar aggregate classification (germline): Pathogenic. Review status: criteria provided, multiple submitters, no conflicts (2 of 4 stars). 2 submissions from 2 submitters: Pathogenic (2). Last evaluated 2024-05-08.

Conditions:
Primary ciliary dyskinesia 3. Identifiers: Orphanet 244, MedGen C1837618, MONDO:0012085, OMIM 608644.

Submissions (2):

Myriad Genetics, Inc.
Classification: Pathogenic for Primary ciliary dyskinesia 3. Last evaluated: 2024-05-08. Review status: criteria provided, single submitter. Criteria: Myriad Autosomal Dominant, Autosomal Recessive and X-Linked Classification Criteria (2023). Collection method: clinical testing. Allele origin: unknown.
Comment: NM_001369.2(DNAH5):c.13413G>A(W4471*) is expected to be pathogenic in the context of primary ciliary dyskinesia, DNAH5-related. This variant is predicted to lead to an abnormal or absent protein product due to the creation of a premature termination codon in DNAH5, a gene where loss-of-function variants are known to be pathogenic. Please note: this variant was assessed in the context of healthy population screening.

Genomic Research Center, Shahid Beheshti University of Medical Sciences
Classification: Pathogenic. Last evaluated: 2020-05-03. Review status: criteria provided, single submitter. Criteria: ACMG Guidelines, 2015. Collection method: clinical testing. Allele origin: unknown. Affected: no.